The following is an entry in ClinVar:

NM_138694.4(PKHD1):c.6658del (p.Leu2220fs)

Gene: PKHD1 (PKHD1 ciliary IPT domain containing fibrocystin/polyductin; minus strand). Cytogenetic location: 6p12.2.
Variant type: Deletion.
Coding change: c.6658del on transcript NM_138694.4 (MANE Select); coding-DNA position 6658, one base deleted (C; older notation c.6658delC).
Protein change: p.Leu2220fs; shifts the reading frame from leucine 2220.
Molecular consequence: frameshift variant.
Genome position (GRCh38, 1-based): chr6:51,909,307, G deleted on the plus strand (C on the coding strand, the reverse complement: PKHD1 is on the minus strand). VCF-style (leftmost placement, unchanged base first): chr6-51909306-AG-A. GRCh37 (hg19) VCF-style: chr6-51774104-AG-A.
Other names: c.6658del, p.Leu2220fs (NM_170724.3); short protein forms L2220fs.
Identifiers: ClinVar variation 1381908 (VCV001381908.6), dbSNP rs2127651823, ClinGen allele CA2573140902.

ClinVar aggregate classification (germline): Pathogenic (1 of 4 stars; one submission).

Conditions:
Autosomal recessive polycystic kidney disease (ARPKD). Also called: AR polycystic kidney disease. Identifiers: Orphanet 731, Orphanet 8378, MedGen C0085548, MeSH D017044, MONDO:0009889.

Submission:

Labcorp Genetics (formerly Invitae), Labcorp
Classification: Pathogenic for Autosomal recessive polycystic kidney disease. Last evaluated: 2021-02-21. Review status: criteria provided, single submitter. Criteria: Invitae Variant Classification Sherloc (09022015). Collection method: clinical testing. Allele origin: germline.
Comment: For these reasons, this variant has been classified as Pathogenic. This variant has not been reported in the literature in individuals with PKHD1-related conditions. This variant is not present in population databases (ExAC no frequency). This sequence change creates a premature translational stop signal (p.Leu2220Serfs*7) in the PKHD1 gene. It is expected to result in an absent or disrupted protein product. Loss-of-function variants in PKHD1 are known to be pathogenic (PMID: 19940839).

Literature cited by the submitters: PubMed 19940839.